The following is an entry in ClinVar:

ClinVar aggregate classification (germline): Uncertain significance (1 of 4 stars; one submission).

Submission:

Labcorp Genetics (formerly Invitae), Labcorp
Classification: Uncertain significance. Last evaluated: 2022-07-27. Review status: criteria provided, single submitter. Criteria: Invitae Variant Classification Sherloc (09022015). Collection method: clinical testing. Allele origin: germline.
Comment: This variant has not been reported in the literature in individuals affected with SPTBN1-related conditions. Algorithms developed to predict the effect of missense changes on protein structure and function are either unavailable or do not agree on the potential impact of this missense change (SIFT: "Deleterious"; PolyPhen-2: "Benign"; Align-GVGD: "Class C0"). In summary, the available evidence is currently insufficient to determine the role of this variant in disease. Therefore, it has been classified as a Variant of Uncertain Significance. This variant is not present in population databases (gnomAD no frequency). This sequence change replaces asparagine, which is neutral and polar, with isoleucine, which is neutral and non-polar, at codon 900 of the SPTBN1 protein (p.Asn900Ile).

NM_003128.3(SPTBN1):c.2699A>T (p.Asn900Ile)

Gene: SPTBN1 (spectrin beta, non-erythrocytic 1; plus strand). Cytogenetic location: 2p16.2.
Variant type: single nucleotide variant.
Coding change: c.2699A>T on transcript NM_003128.3 (MANE Select); coding-DNA position 2699, A replaced by T.
Protein change: p.Asn900Ile; replaces asparagine 900 with isoleucine.
Molecular consequence: missense variant.
Genome position (GRCh38, 1-based): chr2:54,629,921, A>T. VCF-style: chr2-54629921-A-T. GRCh37 (hg19) VCF-style: chr2-54857058-A-T.
Other names: c.2660A>T, p.Asn887Ile (NM_178313.3); short protein forms N887I, N900I.
Identifiers: ClinVar variation 2141119 (VCV002141119.4), dbSNP rs1678621540, ClinGen allele CA346885788.